The following is an entry in ClinVar:

NM_020795.4(NLGN2):c.1922G>C (p.Arg641Pro)

Gene: NLGN2 (neuroligin 2; plus strand). Cytogenetic location: 17p13.1.
Variant type: single nucleotide variant.
Coding change: c.1922G>C on transcript NM_020795.4 (MANE Select); coding-DNA position 1922, G replaced by C.
Protein change: p.Arg641Pro; replaces arginine 641 with proline.
Molecular consequence: missense variant.
Genome position (GRCh38, 1-based): chr17:7,417,213, G>C. VCF-style: chr17-7417213-G-C. GRCh37 (hg19) VCF-style: chr17-7320532-G-C.
Other names: short protein forms R641P.
Identifiers: ClinVar variation 2867407 (VCV002867407.3), dbSNP rs559558140, ClinGen allele CA287456747.

ClinVar aggregate classification (germline): Uncertain significance (1 of 4 stars; one submission).

Submission:

Labcorp Genetics (formerly Invitae), Labcorp
Classification: Uncertain significance. Last evaluated: 2023-08-07. Review status: criteria provided, single submitter. Criteria: Invitae Variant Classification Sherloc (09022015). Collection method: clinical testing. Allele origin: germline.
Comment: This variant is not present in population databases (gnomAD no frequency). This sequence change replaces arginine, which is basic and polar, with proline, which is neutral and non-polar, at codon 641 of the NLGN2 protein (p.Arg641Pro). This variant has not been reported in the literature in individuals affected with NLGN2-related conditions. An algorithm developed to predict the effect of missense changes on protein structure and function (PolyPhen-2) suggests that this variant is likely to be tolerated. In summary, the available evidence is currently insufficient to determine the role of this variant in disease. Therefore, it has been classified as a Variant of Uncertain Significance.